The following is an entry in ClinVar:

NC_000006.12:g.46079773T>G

Gene: CLIC5 (CLIC family member 5; minus strand). Cytogenetic location: 6p21.1.
Variant type: single nucleotide variant.
Molecular consequence: missense variant (on NM_001114086.2). On other transcripts: intron variant (1).
Genome position: GRCh38 VCF-style: chr6-46079773-T-G. GRCh37 (hg19) VCF-style: chr6-46047510-T-G.
Other names: c.470A>C, p.Tyr157Ser (NM_001114086.2, NM_001370650.1); c.-55+49731A>C (NM_001370649.1); short protein forms Y157S.
Identifiers: ClinVar variation 4766192 (VCV004766192.1).

ClinVar aggregate classification (germline): Uncertain significance (1 of 4 stars; one submission).

Submission:

Labcorp Genetics (formerly Invitae), Labcorp
Classification: Uncertain significance. Last evaluated: 2025-04-05. Review status: criteria provided, single submitter. Criteria: Invitae Variant Classification Sherloc (09022015). Collection method: clinical testing. Allele origin: germline.
Comment: This sequence change replaces tyrosine, which is neutral and polar, with serine, which is neutral and polar, at codon 157 of the CLIC5 protein (p.Tyr157Ser). This variant is not present in population databases (gnomAD no frequency). This variant has not been reported in the literature in individuals affected with CLIC5-related conditions. An algorithm developed to predict the effect of missense changes on protein structure and function outputs the following: PolyPhen-2: "Benign". The serine amino acid residue is found in multiple mammalian species, which suggests that this missense change does not adversely affect protein function. In summary, the available evidence is currently insufficient to determine the role of this variant in disease. Therefore, it has been classified as a Variant of Uncertain Significance.